The following is an entry in ClinVar:

ClinVar aggregate classification (germline): Benign/Likely benign. Review status: criteria provided, multiple submitters, no conflicts (2 of 4 stars). 4 submissions from 4 submitters: Benign (2); Likely benign (1). 1 of the submissions does not count toward it. Last evaluated 2026-01-28.

Conditions:
Kleefstra syndrome 1 (KLEFS1). Identifiers: Orphanet 261494, MedGen C0795833, MONDO:0027407, OMIM 610253.
EHMT1-related disorder. Also called: EHMT1-related condition.

Allele frequency attached by ClinVar (database versions not stated): gnomAD exomes 0.00014; ExAC 0.00017; ESP Exome Variant Server 0.00046; gnomAD 0.00049 and 0.00051; 1000 Genomes Project 0.00060; TOPMed 0.00069; 1000 Genomes Project 30x 0.00078.
gnomAD v4.1: 171 of 1,613,906 alleles (0.011%); highest among the groups gnomAD compares: African/African-American, 0.18%; no homozygotes.

Submissions (4):

Labcorp Genetics (formerly Invitae), Labcorp
Classification: Benign for Kleefstra syndrome 1. Last evaluated: 2026-01-28. Review status: criteria provided, single submitter. Criteria: Invitae Variant Classification Sherloc (09022015). Collection method: clinical testing. Allele origin: germline.

Blueprint Genetics
Classification: Likely benign. Last evaluated: 2024-09-02. Review status: criteria provided, single submitter. Criteria: ACMG Guidelines, 2015. Collection method: clinical testing. Allele origin: germline.

GeneDx
Classification: Benign. Last evaluated: 2020-11-30. Review status: criteria provided, single submitter. Criteria: GeneDx Variant Classification Process June 2021. Collection method: clinical testing. Allele origin: germline. Affected: yes.

PreventionGenetics, part of Exact Sciences
Classification: Likely benign for EHMT1-related condition. Last evaluated: 2024-06-17. Review status: no assertion criteria provided. Collection method: clinical testing. Allele origin: germline. Not counted in ClinVar's aggregate classification.
Comment: This variant is classified as likely benign based on ACMG/AMP sequence variant interpretation guidelines (Richards et al. 2015 PMID: 25741868, with internal and published modifications).

NM_024757.5(EHMT1):c.1983G>A (p.Ser661=)

Gene: EHMT1 (euchromatic histone lysine methyltransferase 1; plus strand). Cytogenetic location: 9q34.3.
Variant type: single nucleotide variant.
Coding change: c.1983G>A on transcript NM_024757.5 (MANE Select); coding-DNA position 1983, G replaced by A.
Protein change: p.Ser661=; no amino-acid change (serine 661 retained).
Molecular consequence: synonymous variant.
Genome position (GRCh38, 1-based): chr9:137,776,809, G>A. VCF-style: chr9-137776809-G-A. GRCh37 (hg19) VCF-style: chr9-140671261-G-A.
Other names: c.1983G>A, p.Ser661= (NM_001145527.2); c.1890G>A, p.Ser630= (NM_001354259.2); c.1962G>A, p.Ser654= (NM_001354263.2).
Identifiers: ClinVar variation 531875 (VCV000531875.16), dbSNP rs143204067, ClinGen allele CA5374767.